The following is an entry in ClinVar:

ClinVar aggregate classification (germline): Uncertain significance. Review status: criteria provided, multiple submitters, no conflicts (2 of 4 stars). 5 submissions from 5 submitters: Uncertain significance (4). 1 of the submissions does not count toward it. Last evaluated 2026-04-14.

Conditions:
ABCB11-related disorder. Also called: ABCB11-related condition.
Familial intrahepatic cholestasis. Identifiers: Orphanet 284385, MedGen CN296401, MONDO:0017290.

Allele frequency attached by ClinVar (database versions not stated): gnomAD exomes 0.00001; ExAC 0.00002; gnomAD 0.00003; TOPMed 0.00003; ESP Exome Variant Server 0.00016.
gnomAD v4.1: 11 of 1,612,272 alleles (0.00068%); highest among the groups gnomAD compares: African/African-American, 0.0053%; no homozygotes.

Submissions (5):

Genomenon, Inc
Classification: Uncertain significance for Familial intrahepatic cholestasis. Last evaluated: 2026-04-14. Review status: criteria provided, single submitter. Criteria: Genomenon Sequence Variant Interpretation Standards - Updated. Collection method: curation. Allele origin: germline. Affected: no.
Comment: ABCB11 p.Arg616Cys (c.1846C>T) is a missense variant that changes the amino acid at residue 616 from Arginine to Cysteine. This variant has been reported in the published literature (PMID:37208429). It is absent or not present at a significant frequency in gnomAD. In silico models predict that this variant is possibly or probably damaging. In conclusion, we classify ABCB11 p.Arg616Cys (c.1846C>T) as a variant of uncertain significance.

Labcorp Genetics (formerly Invitae), Labcorp
Classification: Uncertain significance. Last evaluated: 2024-10-24. Review status: criteria provided, single submitter. Criteria: Invitae Variant Classification Sherloc (09022015). Collection method: clinical testing. Allele origin: germline.
Comment: This sequence change replaces arginine, which is basic and polar, with cysteine, which is neutral and slightly polar, at codon 616 of the ABCB11 protein (p.Arg616Cys). This variant is present in population databases (rs369187042, gnomAD 0.01%). This variant has not been reported in the literature in individuals affected with ABCB11-related conditions. ClinVar contains an entry for this variant (Variation ID: 597819). Invitae Evidence Modeling of protein sequence and biophysical properties (such as structural, functional, and spatial information, amino acid conservation, physicochemical variation, residue mobility, and thermodynamic stability) indicates that this missense variant is expected to disrupt ABCB11 protein function with a positive predictive value of 95%. In summary, the available evidence is currently insufficient to determine the role of this variant in disease. Therefore, it has been classified as a Variant of Uncertain Significance.

Revvity Omics, Revvity
Classification: Uncertain significance. Last evaluated: 2019-10-25. Review status: criteria provided, single submitter. Criteria: ACMG Guidelines, 2015. Collection method: clinical testing. Allele origin: germline.

Eurofins Ntd Llc (ga)
Classification: Uncertain significance. Last evaluated: 2018-06-26. Review status: criteria provided, single submitter. Criteria: EGL ClinVar v180209 classification definitions. Collection method: clinical testing. Allele origin: germline. Observed: 1 variant allele, 1 heterozygote.

PreventionGenetics, part of Exact Sciences
Classification: Uncertain significance for ABCB11-related condition. Last evaluated: 2023-12-18. Review status: no assertion criteria provided. Collection method: clinical testing. Allele origin: germline. Not counted in ClinVar's aggregate classification.
Comment: The ABCB11 c.1846C>T variant is predicted to result in the amino acid substitution p.Arg616Cys. To our knowledge, this variant has not been reported in the literature. This variant is reported in 0.0097% of alleles in individuals of Ashkenazi Jewish descent in gnomAD. At this time, the clinical significance of this variant is uncertain due to the absence of conclusive functional and genetic evidence.

Literature cited by the submitters: PubMed 37208429 (cited by Genomenon, Inc).

NM_003742.4(ABCB11):c.1846C>T (p.Arg616Cys)

Gene: ABCB11 (ATP binding cassette subfamily B member 11; minus strand). Cytogenetic location: 2q31.1.
Variant type: single nucleotide variant.
Coding change: c.1846C>T on transcript NM_003742.4 (MANE Select); coding-DNA position 1846, C replaced by T.
Protein change: p.Arg616Cys; replaces arginine 616 with cysteine.
Molecular consequence: missense variant.
Genome position (GRCh38, 1-based): chr2:168,969,515, G>A on the plus strand (C>T on the coding strand, the complement: ABCB11 is on the minus strand). VCF-style: chr2-168969515-G-A. GRCh37 (hg19) VCF-style: chr2-169826025-G-A.
Other names: c.1846C>T (NM_003742.2); c.1846C>T, p.Arg616Cys (LRG_1199t1); short protein forms R616C.
Identifiers: ClinVar variation 597819 (VCV000597819.14), dbSNP rs369187042, ClinGen allele CA1951442.